The following is an entry in ClinVar:

ClinVar aggregate classification (germline): Likely pathogenic (1 of 4 stars; one submission).

Conditions:
Marfan syndrome (MFS). Also called: MARFAN SYNDROME, TYPE I; Marfan syndrome type 1; Marfan's syndrome; Marfan syndrome, classic; FBN1-Related Marfan Syndrome. Identifiers: Orphanet 284963, Orphanet 558, MedGen C0024796, MONDO:0007947, OMIM 154700.
Familial thoracic aortic aneurysm and aortic dissection (TAAD). Also called: Thoracic aortic aneurysms and dissections. Identifiers: Orphanet 91387, MedGen C4707243, MONDO:0019625.

Submission:

Labcorp Genetics (formerly Invitae), Labcorp
Classification: Likely pathogenic for Marfan syndrome; Familial thoracic aortic aneurysm and aortic dissection. Last evaluated: 2025-09-04. Review status: criteria provided, single submitter. Criteria: Invitae Variant Classification Sherloc (09022015). Collection method: clinical testing. Allele origin: germline.
Comment: This sequence change replaces glutamic acid, which is acidic and polar, with alanine, which is neutral and non-polar, at codon 1852 of the FBN1 protein (p.Glu1852Ala). This variant is not present in population databases (gnomAD no frequency). This missense change has been observed in individual(s) with aortic root aneurysm (internal data). ClinVar contains an entry for this variant (Variation ID: 2922440). Invitae Evidence Modeling of protein sequence and biophysical properties (such as structural, functional, and spatial information, amino acid conservation, physicochemical variation, residue mobility, and thermodynamic stability) indicates that this missense variant is expected to disrupt FBN1 protein function with a positive predictive value of 95%. This variant disrupts the p.Glu1852 amino acid residue in FBN1. Other variant(s) that disrupt this residue have been determined to be pathogenic (internal data). This suggests that this residue is clinically significant, and that variants that disrupt this residue are likely to be disease-causing. In summary, the currently available evidence indicates that the variant is pathogenic, but additional data are needed to prove that conclusively. Therefore, this variant has been classified as Likely Pathogenic.

NM_000138.5(FBN1):c.5555A>C (p.Glu1852Ala)

Gene: FBN1 (fibrillin 1; minus strand). Cytogenetic location: 15q21.1.
Variant type: single nucleotide variant.
Coding change: c.5555A>C on transcript NM_000138.5 (MANE Select); coding-DNA position 5555, A replaced by C.
Protein change: p.Glu1852Ala; replaces glutamic acid 1852 with alanine.
Molecular consequence: missense variant.
Genome position (GRCh38, 1-based): chr15:48,448,884, T>G on the plus strand (A>C on the coding strand, the complement: FBN1 is on the minus strand). VCF-style: chr15-48448884-T-G. GRCh37 (hg19) VCF-style: chr15-48741081-T-G.
Other names: c.5555A>C, p.Glu1852Ala (NM_001406716.1); short protein forms E1852A.
Identifiers: ClinVar variation 2922440 (VCV002922440.3), dbSNP rs864622676, ClinGen allele CA392342557.